The following is an entry in ClinVar:

ClinVar aggregate classification (germline): Conflicting classifications of pathogenicity. Review status: criteria provided, conflicting classifications (1 of 4 stars). 2 submissions from 2 submitters: Likely pathogenic (1); Uncertain significance (1). Last evaluated 2024-12-13.

Conditions:
Inborn genetic diseases. Identifiers: MedGen C0950123, MeSH D030342.

Submissions (2):

Ambry Genetics
Classification: Likely pathogenic for Inborn genetic diseases. Last evaluated: 2024-12-13. Review status: criteria provided, single submitter. Criteria: Ambry Variant Classification Scheme 2023. Collection method: clinical testing. Allele origin: germline.
Comment: The c.5221G>A (p.G1741S) alteration is located in exon 25 (coding exon 25) of the KMT2B gene. This alteration results from a G to A substitution at nucleotide position 5221, causing the glycine (G) at amino acid position 1741 to be replaced by a serine (S). This variant was not reported in population-based cohorts in the Genome Aggregation Database (gnomAD). This amino acid position is highly conserved in available vertebrate species. This alteration is predicted to be deleterious by in silico analysis. Based on the available evidence, this alteration is classified as likely pathogenic.

Labcorp Genetics (formerly Invitae), Labcorp
Classification: Uncertain significance. Last evaluated: 2023-06-04. Review status: criteria provided, single submitter. Criteria: Invitae Variant Classification Sherloc (09022015). Collection method: clinical testing. Allele origin: germline.
Comment: Advanced modeling of protein sequence and biophysical properties (such as structural, functional, and spatial information, amino acid conservation, physicochemical variation, residue mobility, and thermodynamic stability) performed at Invitae indicates that this missense variant is expected to disrupt KMT2B protein function. This variant has not been reported in the literature in individuals affected with KMT2B-related conditions. This variant is not present in population databases (gnomAD no frequency). This sequence change replaces glycine, which is neutral and non-polar, with serine, which is neutral and polar, at codon 1741 of the KMT2B protein (p.Gly1741Ser). In summary, the available evidence is currently insufficient to determine the role of this variant in disease. Therefore, it has been classified as a Variant of Uncertain Significance.

NM_014727.3(KMT2B):c.5221G>A (p.Gly1741Ser)

Gene: KMT2B (lysine methyltransferase 2B; plus strand). Cytogenetic location: 19q13.12.
Variant type: single nucleotide variant.
Coding change: c.5221G>A on transcript NM_014727.3 (MANE Select); coding-DNA position 5221, G replaced by A.
Protein change: p.Gly1741Ser; replaces glycine 1741 with serine.
Molecular consequence: missense variant.
Genome position (GRCh38, 1-based): chr19:35,730,561, G>A. VCF-style: chr19-35730561-G-A. GRCh37 (hg19) VCF-style: chr19-36221462-G-A.
Other names: c.5221G>A (NM_014727.1); short protein forms G1741S.
Identifiers: ClinVar variation 2767226 (VCV002767226.5), dbSNP rs2513346396, ClinGen allele CA405420161.